The following is an entry in ClinVar:

ClinVar aggregate classification (germline): Uncertain significance. Review status: criteria provided, single submitter (1 of 4 stars). 2 submissions from 2 submitters: Uncertain significance (1). 1 of the submissions does not count toward it. Last evaluated 2025-10-27.

Conditions:
Autoimmune lymphoproliferative syndrome type 2A (ALPS2A). Also called: CASP10-Related Autoimmune Lymphoproliferative Syndrome; AUTOIMMUNE LYMPHOPROLIFERATIVE SYNDROME, TYPE IIA; Autoimmune lymphoproliferative syndrome type 2. Identifiers: Orphanet 3261, MedGen C1858968, MONDO:0011383, OMIM 603909.

Submissions (2):

Labcorp Genetics (formerly Invitae), Labcorp
Classification: Uncertain significance for Autoimmune lymphoproliferative syndrome type 2A. Last evaluated: 2025-10-27. Review status: criteria provided, single submitter. Criteria: Invitae Variant Classification Sherloc (09022015). Collection method: clinical testing. Allele origin: germline.
Comment: This sequence change replaces serine, which is neutral and polar, with tryptophan, which is neutral and slightly polar, at codon 59 of the CASP10 protein (p.Ser59Trp). This variant is present in population databases (no rsID available, gnomAD 0.006%). This variant has not been reported in the literature in individuals affected with CASP10-related conditions. ClinVar contains an entry for this variant (Variation ID: 592057). An algorithm developed to predict the effect of missense changes on protein structure and function (PolyPhen-2) suggests that this variant is likely to be tolerated. In summary, the available evidence is currently insufficient to determine the role of this variant in disease. Therefore, it has been classified as a Variant of Uncertain Significance.

Gharavi Laboratory, Columbia University
Classification: Uncertain significance. Last evaluated: 2018-09-16. Review status: no assertion criteria provided. Criteria: ACMG Guidelines, 2015. Collection method: research. Allele origin: germline. Affected: yes. Not counted in ClinVar's aggregate classification.

NM_032977.4(CASP10):c.176_177delinsGG (p.Ser59Trp)

Gene: CASP10 (caspase 10; plus strand). Cytogenetic location: 2q33.1.
Variant type: Indel.
Coding change: c.176_177delinsGG on transcript NM_032977.4 (MANE Select); coding-DNA positions 176 to 177, CA replaced by GG.
Protein change: p.Ser59Trp; replaces serine 59 with tryptophan.
Molecular consequence: missense variant.
Genome position (GRCh38, 1-based): chr2:201,185,953-201,185,954, CA replaced by GG. VCF-style: chr2-201185953-CA-GG. GRCh37 (hg19) VCF-style: chr2-202050676-CA-GG.
Other names: c.176_177delinsGG, p.Ser59Trp (NM_001206524.2, NM_001206542.2, NM_001230.5 and 3 more transcripts); short protein forms S59W.
Identifiers: ClinVar variation 592057 (VCV000592057.13), dbSNP rs1559292275, ClinGen allele CA891862744.